The following is an entry in ClinVar:

ClinVar aggregate classification (germline): Uncertain significance (1 of 4 stars; one submission).

Submission:

Labcorp Genetics (formerly Invitae), Labcorp
Classification: Uncertain significance. Last evaluated: 2022-10-17. Review status: criteria provided, single submitter. Criteria: Invitae Variant Classification Sherloc (09022015). Collection method: clinical testing. Allele origin: germline.
Comment: This sequence change replaces glycine, which is neutral and non-polar, with valine, which is neutral and non-polar, at codon 692 of the ALPK3 protein (p.Gly692Val). This variant is not present in population databases (gnomAD no frequency). This variant has not been reported in the literature in individuals affected with ALPK3-related conditions. Algorithms developed to predict the effect of missense changes on protein structure and function output the following: SIFT: "Tolerated"; PolyPhen-2: "Benign"; Align-GVGD: "Class C0". The valine amino acid residue is found in multiple mammalian species, which suggests that this missense change does not adversely affect protein function. In summary, the available evidence is currently insufficient to determine the role of this variant in disease. Therefore, it has been classified as a Variant of Uncertain Significance.

NM_020778.5(ALPK3):c.1469G>T (p.Gly490Val)

Gene: ALPK3 (alpha kinase 3; plus strand). Cytogenetic location: 15q25.3.
Variant type: single nucleotide variant.
Coding change: c.1469G>T on transcript NM_020778.5 (MANE Select); coding-DNA position 1469, G replaced by T.
Protein change: p.Gly490Val; replaces glycine 490 with valine.
Molecular consequence: missense variant.
Genome position (GRCh38, 1-based): chr15:84,840,748, G>T. VCF-style: chr15-84840748-G-T. GRCh37 (hg19) VCF-style: chr15-85383979-G-T.
Other names: short protein forms G490V.
Identifiers: ClinVar variation 1721771 (VCV001721771.5), dbSNP rs2505706739, ClinGen allele CA393375690.